The following is an entry in ClinVar:

ClinVar aggregate classification (germline): Uncertain significance (1 of 4 stars; one submission).

Conditions:
X-linked lymphoproliferative disease due to XIAP deficiency. Also called: XIAP DEFICIENCY; XIAP-Related Lymphoproliferative Disease, X-Linked. Identifiers: Orphanet 2442, Orphanet 538934, MedGen C1845076, MONDO:0010385, OMIM 300635.

gnomAD v4.1: 2 of 1,208,751 alleles (0.00017%); highest among the groups gnomAD compares: African/African-American, 0.0017%; no homozygotes.

Submission:

Labcorp Genetics (formerly Invitae), Labcorp
Classification: Uncertain significance for X-linked lymphoproliferative disease due to XIAP deficiency. Last evaluated: 2022-08-31. Review status: criteria provided, single submitter. Criteria: Invitae Variant Classification Sherloc (09022015). Collection method: clinical testing. Allele origin: germline.
Comment: This variant is not present in population databases (gnomAD no frequency). This variant has not been reported in the literature in individuals affected with XIAP-related conditions. ClinVar contains an entry for this variant (Variation ID: 1493293). Algorithms developed to predict the effect of missense changes on protein structure and function are either unavailable or do not agree on the potential impact of this missense change (SIFT: "Not Available"; PolyPhen-2: "Probably Damaging"; Align-GVGD: "Not Available"). In summary, the available evidence is currently insufficient to determine the role of this variant in disease. Therefore, it has been classified as a Variant of Uncertain Significance. This sequence change replaces arginine with tryptophan at codon 268 of the XIAP protein (p.Arg268Trp). The arginine residue is highly conserved and there is a moderate physicochemical difference between arginine and tryptophan.

NM_001167.4(XIAP):c.802C>T (p.Arg268Trp)

Gene: XIAP (X-linked inhibitor of apoptosis; plus strand). Cytogenetic location: Xq25.
Variant type: single nucleotide variant.
Coding change: c.802C>T on transcript NM_001167.4 (MANE Select); coding-DNA position 802, C replaced by T.
Protein change: p.Arg268Trp; replaces arginine 268 with tryptophan.
Molecular consequence: missense variant.
Genome position (GRCh38, 1-based): chrX:123,886,464, C>T. VCF-style: chrX-123886464-C-T. GRCh37 (hg19) VCF-style: chrX-123020314-C-T.
Other names: c.802C>T, p.Arg268Trp (NM_001204401.2, NM_001378590.1, NM_001378591.1 and 1 more transcripts); short protein forms R268W.
Identifiers: ClinVar variation 1493293 (VCV001493293.6), dbSNP rs2148090224, ClinGen allele CA414124680.